The following is an entry in ClinVar:

NM_001303.4(COX10):c.500-4G>A

Gene: COX10 (cytochrome c oxidase assembly factor heme A:farnesyltransferase COX10; plus strand). Cytogenetic location: 17p12.
Variant type: single nucleotide variant.
Coding change: c.500-4G>A on transcript NM_001303.4 (MANE Select); 4 bases into the intron before coding-DNA position 500, G replaced by A.
Molecular consequence: intron variant.
Genome position (GRCh38, 1-based): chr17:14,102,114, G>A. VCF-style: chr17-14102114-G-A. GRCh37 (hg19) VCF-style: chr17-14005431-G-A.
Identifiers: ClinVar variation 668211 (VCV000668211.7), dbSNP rs377334307, ClinGen allele CA8402344.

ClinVar aggregate classification (germline): Likely benign. Review status: criteria provided, multiple submitters, no conflicts (2 of 4 stars). 2 submissions from 2 submitters: Likely benign (2). Last evaluated 2026-01-15.

Allele frequency attached by ClinVar (database versions not stated): gnomAD exomes 0.00004; TOPMed 0.00005; ExAC 0.00006; gnomAD 0.00007 and 0.00008; ESP Exome Variant Server 0.00008.
gnomAD v4.1: 73 of 1,613,358 alleles (0.0045%); highest among the groups gnomAD compares: Admixed American, 0.0083%; no homozygotes.

Submissions (2):

Labcorp Genetics (formerly Invitae), Labcorp
Classification: Likely benign. Last evaluated: 2026-01-15. Review status: criteria provided, single submitter. Criteria: Invitae Variant Classification Sherloc (09022015). Collection method: clinical testing. Allele origin: germline.

GeneDx
Classification: Likely benign. Last evaluated: 2018-05-25. Review status: criteria provided, single submitter. Criteria: GeneDx Variant Classification (06012015). Collection method: clinical testing. Allele origin: germline. Affected: yes.
Comment: This variant is considered likely benign or benign based on one or more of the following criteria: it is a conservative change, it occurs at a poorly conserved position in the protein, it is predicted to be benign by multiple in silico algorithms, and/or has population frequency not consistent with disease.